The following is an entry in ClinVar:

ClinVar aggregate classification (germline): Benign/Likely benign. Review status: criteria provided, multiple submitters, no conflicts (2 of 4 stars). 5 submissions from 5 submitters: Benign (3); Likely benign (2). Last evaluated 2026-01-27.

Conditions:
Spermatogenic failure 18. Identifiers: MedGen C4539783, MONDO:0054615, OMIM 617576.
Ciliary dyskinesia, primary, 37 (CILD37). Also called: CILIARY DYSKINESIA, PRIMARY, 37, WITH OR WITHOUT SITUS INVERSUS. Identifiers: MedGen C4539798, MONDO:0033204, OMIM 617577.

Allele frequency attached by ClinVar (database versions not stated): ESP Exome Variant Server 0.00267; TOPMed 0.00311; gnomAD 0.00315 and 0.00394; gnomAD exomes 0.00586 and 0.00587; ExAC 0.00633; 1000 Genomes Project 30x 0.00734; 1000 Genomes Project 0.00819.

Submissions (5):

Labcorp Genetics (formerly Invitae), Labcorp
Classification: Benign for Ciliary dyskinesia, primary, 37; Spermatogenic failure 18. Last evaluated: 2026-01-27. Review status: criteria provided, single submitter. Criteria: Invitae Variant Classification Sherloc (09022015). Collection method: clinical testing. Allele origin: germline.

ARUP Laboratories, Molecular Genetics and Genomics, ARUP Laboratories
Classification: Benign. Last evaluated: 2025-06-24. Review status: criteria provided, single submitter. Criteria: ARUP Molecular Germline Variant Investigation Process 2024. Collection method: clinical testing. Allele origin: germline.

Mayo Clinic Laboratories, Mayo Clinic
Classification: Benign. Last evaluated: 2023-03-30. Review status: criteria provided, single submitter. Criteria: ACMG Guidelines, 2015. Collection method: clinical testing. Allele origin: germline. Observed: 4 variant alleles.
Comment: BS1, BP4_strong

GeneDx
Classification: Likely benign. Last evaluated: 2018-07-09. Review status: criteria provided, single submitter. Criteria: GeneDx Variant Classification Process June 2021. Collection method: clinical testing. Allele origin: germline. Affected: yes.

Breakthrough Genomics
Classification: Likely benign. Review status: criteria provided, single submitter. Criteria: ACMG Guidelines, 2015. Collection method: not provided. Allele origin: germline. Inheritance: Autosomal recessive inheritance. Affected: yes.

NM_015512.5(DNAH1):c.1244A>G (p.Lys415Arg)

Gene: DNAH1 (dynein axonemal heavy chain 1; plus strand). Cytogenetic location: 3p21.1.
Variant type: single nucleotide variant.
Coding change: c.1244A>G on transcript NM_015512.5 (MANE Select); coding-DNA position 1244, A replaced by G.
Protein change: p.Lys415Arg; replaces lysine 415 with arginine.
Molecular consequence: missense variant.
Genome position (GRCh38, 1-based): chr3:52,332,352, A>G. VCF-style: chr3-52332352-A-G. GRCh37 (hg19) VCF-style: chr3-52366368-A-G.
Other names: p.Lys415Arg; short protein forms K415R.
Identifiers: ClinVar variation 478409 (VCV000478409.20), dbSNP rs61729402, ClinGen allele CA2432902.